The following is an entry in ClinVar:

NM_001122955.4(BSCL2):c.745G>T (p.Ala249Ser)

Genes: BSCL2 (BSCL2 lipid droplet biogenesis associated, seipin; minus strand), HNRNPUL2-BSCL2 (HNRNPUL2-BSCL2 readthrough (NMD candidate); minus strand). Cytogenetic location: 11q12.3.
Variant type: single nucleotide variant.
Coding change: c.745G>T on transcript NM_001122955.4 (MANE Select); coding-DNA position 745, G replaced by T.
Protein change: p.Ala249Ser; replaces alanine 249 with serine.
Molecular consequence: missense variant. On other transcripts: non-coding transcript variant (1).
Genome position (GRCh38, 1-based): chr11:62,692,683, C>A on the plus strand (G>T on the coding strand, the complement: BSCL2 is on the minus strand). VCF-style: chr11-62692683-C-A. GRCh37 (hg19) VCF-style: chr11-62460155-C-A.
Other names: c.553G>T, p.Ala185Ser (NM_001130702.2, NM_032667.6); c.745G>T, p.Ala249Ser (NM_001386027.1, NM_001386028.1); short protein forms A249S, A185S.
Identifiers: ClinVar variation 305179 (VCV000305179.13), dbSNP rs10776, ClinGen allele CA10638912.
Genomic context (GRCh38, chr11:62,692,683, plus strand): 5'-GGGCTATCTCCTAGTCATAAAGCTCGTTCACCTCACTCACCGAGTTCTCTCTATAGTCTG[C>A]GTAGAGTTCCACCTCCAGCAGCTGCTTCTGCTCTGCAAAGCCAAATAGCAGGAGGCTAGA-3'
Protein context (NP_001116427.1, residues 239-259): QKQLLEVELY[Ala249Ser]DYRENSYVPT

ClinVar aggregate classification (germline): Uncertain significance. Review status: criteria provided, multiple submitters, no conflicts (2 of 4 stars). 3 submissions from 2 submitters: Uncertain significance (3). Last evaluated 2021-04-11.

Conditions:
Charcot-Marie-Tooth disease type 2. Also called: Charcot-Marie-Tooth type 2. Identifiers: Orphanet 64746, MedGen C0270914, MONDO:0018993.
Neuronopathy, distal hereditary motor, type 5A (HMND5). Also called: Distal Spinal Muscular Atrophy V; DHMN VA; Distal Spinal Muscular Atrophy V (dSMA-V); NEURONOPATHY, DISTAL HEREDITARY MOTOR, AUTOSOMAL DOMINANT 5. Identifiers: Orphanet 139536, MedGen CN031873, MONDO:0015353, OMIM 600794.
Congenital generalized lipodystrophy type 2 (CGL2). Also called: BRUNZELL SYNDROME, BSCL2-RELATED; BERARDINELLI SYNDROME; Berardinelli-Seip Congenital Lipodystrophy Type 2; SEIP SYNDROME. Identifiers: Orphanet 528, Orphanet 696289, MedGen C1720863, MONDO:0010020, OMIM 269700.

Allele frequency attached by ClinVar (database versions not stated): TOPMed 0.00001.
gnomAD v4.1: 22 of 1,613,990 alleles (0.0014%); highest among the groups gnomAD compares: Non-Finnish European, 0.0015%; no homozygotes.

Submissions (3):

Labcorp Genetics (formerly Invitae), Labcorp
Classification: Uncertain significance for Charcot-Marie-Tooth disease type 2. Last evaluated: 2021-04-11. Review status: criteria provided, single submitter. Criteria: Invitae Variant Classification Sherloc (09022015). Collection method: clinical testing. Allele origin: germline.
Comment: In summary, the available evidence is currently insufficient to determine the role of this variant in disease. Therefore, it has been classified as a Variant of Uncertain Significance. Algorithms developed to predict the effect of missense changes on protein structure and function output the following: SIFT: "Tolerated"; PolyPhen-2: "Benign"; Align-GVGD: "Class C0". The serine amino acid residue is found in multiple mammalian species, suggesting that this missense change does not adversely affect protein function. These predictions have not been confirmed by published functional studies and their clinical significance is uncertain. This variant has not been reported in the literature in individuals with BSCL2-related conditions. ClinVar contains an entry for this variant (Variation ID: 305179). This variant is not present in population databases (ExAC no frequency). This sequence change replaces alanine with serine at codon 185 of the BSCL2 protein (p.Ala185Ser). The alanine residue is weakly conserved and there is a moderate physicochemical difference between alanine and serine.

Illumina Laboratory Services, Illumina
Classification: Uncertain significance for Congenital generalized lipodystrophy type 2. Last evaluated: 2018-01-12. Review status: criteria provided, single submitter. Criteria: ICSL Variant Classification Criteria 13 December 2019. Collection method: clinical testing. Allele origin: germline.

Illumina Laboratory Services, Illumina
Classification: Uncertain significance for Neuronopathy, distal hereditary motor, type 5A. Last evaluated: 2018-01-12. Review status: criteria provided, single submitter. Criteria: ICSL Variant Classification Criteria 13 December 2019. Collection method: clinical testing. Allele origin: germline.